The following is an entry in ClinVar:

NM_002755.4(MAP2K1):c.80+9G>A

Gene: MAP2K1 (mitogen-activated protein kinase kinase 1; plus strand). Cytogenetic location: 15q22.31.
Variant type: single nucleotide variant.
Coding change: c.80+9G>A on transcript NM_002755.4 (MANE Select); 9 bases into the intron after coding-DNA position 80, G replaced by A.
Molecular consequence: intron variant.
Genome position (GRCh38, 1-based): chr15:66,387,436, G>A. VCF-style: chr15-66387436-G-A. GRCh37 (hg19) VCF-style: chr15-66679774-G-A.
Other names: c.80+9G>A (NM_002755.3).
Identifiers: ClinVar variation 1130747 (VCV001130747.12), dbSNP rs1219385230, ClinGen allele CA618669741.

ClinVar aggregate classification (germline): Likely benign. Review status: criteria provided, multiple submitters, no conflicts (2 of 4 stars). 3 submissions from 3 submitters: Likely benign (2). 1 of the submissions does not count toward it. Last evaluated 2025-10-22.

Conditions:
RASopathy. Also called: Noonan spectrum disorder; rasopathies. Identifiers: Orphanet 536391, MedGen C5555857, MONDO:0021060.
MAP2K1-related disorder. Also called: MAP2K1-related condition; MAP2K1-related disorders.

Allele frequency attached by ClinVar (database versions not stated): gnomAD exomes 0.00001 and 0.00003; TOPMed 0.00001; gnomAD 0.00003.
gnomAD v4.1: 40 of 1,553,422 alleles (0.0026%); highest among the groups gnomAD compares: Non-Finnish European, 0.003%; no homozygotes.

Submissions (3):

Labcorp Genetics (formerly Invitae), Labcorp
Classification: Likely benign for RASopathy. Last evaluated: 2025-10-22. Review status: criteria provided, single submitter. Criteria: Invitae Variant Classification Sherloc (09022015). Collection method: clinical testing. Allele origin: germline.

Blueprint Genetics
Classification: Likely benign. Last evaluated: 2024-10-25. Review status: criteria provided, single submitter. Criteria: ACMG Guidelines, 2015. Collection method: clinical testing. Allele origin: germline.

PreventionGenetics, part of Exact Sciences
Classification: Likely benign for MAP2K1-related condition. Last evaluated: 2020-09-01. Review status: no assertion criteria provided. Collection method: clinical testing. Allele origin: germline. Not counted in ClinVar's aggregate classification.
Comment: This variant is classified as likely benign based on ACMG/AMP sequence variant interpretation guidelines (Richards et al. 2015 PMID: 25741868, with internal and published modifications).